The following is an entry in ClinVar:

NM_001318852.2(MAPK8IP3):c.2578C>T (p.Arg860Trp)

Gene: MAPK8IP3 (mitogen-activated protein kinase 8 interacting protein 3; plus strand). Cytogenetic location: 16p13.3.
Variant type: single nucleotide variant.
Coding change: c.2578C>T on transcript NM_001318852.2 (MANE Select); coding-DNA position 2578, C replaced by T.
Protein change: p.Arg860Trp; replaces arginine 860 with tryptophan.
Molecular consequence: missense variant.
Genome position (GRCh38, 1-based): chr16:1,766,091, C>T. VCF-style: chr16-1766091-C-T. GRCh37 (hg19) VCF-style: chr16-1816092-C-T.
Other names: c.2557C>T, p.Arg853Trp (NM_001040439.2); c.2575C>T, p.Arg859Trp (NM_015133.5, NM_033392.3); short protein forms R853W, R859W, R860W.
Identifiers: ClinVar variation 2573659 (VCV002573659.25), dbSNP rs376185931, ClinGen allele CA276720601.
Genomic context (GRCh38, chr16:1,766,091, plus strand): 5'-GCAGATGGCGTGCTGGCCGGTATCACCCTGGTGGGCTGTGCCACCCGCTGCAACGTGCCG[C>T]GGAGCAACTGCTCCTCCCGAGGGGACACCCCAGTGCTAGACAAGGGGCAGGGTGAGTCCT-3'
Protein context (NP_001305781.1, residues 850-870): VGCATRCNVP[Arg860Trp]SNCSSRGDTP

ClinVar aggregate classification (germline): Uncertain significance. Review status: criteria provided, multiple submitters, no conflicts (2 of 4 stars). 2 submissions from 2 submitters: Uncertain significance (2). Last evaluated 2023-01-20.

Allele frequency attached by ClinVar (database versions not stated): gnomAD exomes 0.00001; ESP Exome Variant Server 0.00008.
gnomAD v4.1: 7 of 1,612,778 alleles (0.00043%); highest among the groups gnomAD compares: Non-Finnish European, 0.00059%; no homozygotes.

Submissions (2):

GeneDx
Classification: Uncertain significance. Last evaluated: 2023-01-20. Review status: criteria provided, single submitter. Criteria: GeneDx Variant Classification Process June 2021. Collection method: clinical testing. Allele origin: germline. Affected: yes.
Comment: Not observed at significant frequency in large population cohorts (gnomAD); In silico analysis supports that this missense variant has a deleterious effect on protein structure/function; Has not been previously published as pathogenic or benign to our knowledge

CeGaT Center for Human Genetics Tuebingen
Classification: Uncertain significance. Last evaluated: 2022-03-01. Review status: criteria provided, single submitter. Criteria: CeGaT Center For Human Genetics Tuebingen Variant Classification Criteria Version 2. Collection method: clinical testing. Allele origin: germline. Affected: yes. Observed: 1 variant allele.
Comment: MAPK8IP3: PM2